The following is an entry in ClinVar:

NM_015909.4(NBAS):c.2719C>T (p.Gln907Ter)

Gene: NBAS (NBAS subunit of NRZ tethering complex; minus strand). Cytogenetic location: 2p24.3.
Variant type: single nucleotide variant.
Coding change: c.2719C>T on transcript NM_015909.4 (MANE Select); coding-DNA position 2719, C replaced by T.
Protein change: p.Gln907Ter; replaces glutamine 907 with a stop codon.
Molecular consequence: nonsense. On other transcripts: non-coding transcript variant (1).
Genome position (GRCh38, 1-based): chr2:15,417,571, G>A on the plus strand (C>T on the coding strand, the complement: NBAS is on the minus strand). VCF-style: chr2-15417571-G-A. GRCh37 (hg19) VCF-style: chr2-15557695-G-A.
Other names: short protein forms Q907*.
Identifiers: ClinVar variation 1382399 (VCV001382399.6), dbSNP rs2148463805, ClinGen allele CA345886680.

ClinVar aggregate classification (germline): Pathogenic (1 of 4 stars; one submission).

Submission:

Labcorp Genetics (formerly Invitae), Labcorp
Classification: Pathogenic. Last evaluated: 2021-08-12. Review status: criteria provided, single submitter. Criteria: Invitae Variant Classification Sherloc (09022015). Collection method: clinical testing. Allele origin: germline.
Comment: For these reasons, this variant has been classified as Pathogenic. This variant has not been reported in the literature in individuals affected with NBAS-related conditions. This variant is not present in population databases (ExAC no frequency). This sequence change creates a premature translational stop signal (p.Gln907*) in the NBAS gene. It is expected to result in an absent or disrupted protein product. Loss-of-function variants in NBAS are known to be pathogenic (PMID: 26073778, 26541327, 27789416, 28031453).

Literature cited by the submitters: PubMed 26073778; PubMed 26541327; PubMed 27789416; PubMed 28031453.